The following is an entry in ClinVar:

ClinVar aggregate classification (germline): Pathogenic/Likely pathogenic. Review status: criteria provided, multiple submitters, no conflicts (2 of 4 stars). 2 submissions from 2 submitters: Pathogenic (1); Likely pathogenic (1). Last evaluated 2026-01-14.

Conditions:
Diabetes insipidus, nephrogenic, X-linked. Also called: Nephrogenic Diabetes Insipidus, Type I. Identifiers: Orphanet 223, MedGen C1563705, MONDO:0010581, OMIM 304800.

Submissions (2):

Variantyx, Inc.
Classification: Likely pathogenic for Diabetes insipidus, nephrogenic, X-linked. Last evaluated: 2026-01-14. Review status: criteria provided, single submitter. Criteria: Variantyx Assertion Criteria 2022. Collection method: clinical testing. Allele origin: maternal. Inheritance: X-linked recessive inheritance.
Comment: This is a nonsynonymous variant in the AVPR2 gene (OMIM: 300538). Pathogenic variants in this gene have been associated with X-linked nephrogenic diabetes insipidus. Computational algorithms produce conflicting evidence regarding the predicted functional impact of this variant (REVEL score: 0.531); however, functional studies have shown that this variant alters AVPR2 protein function (PMID: 8863826) (PS3_Moderate). This variant is absent from control populations (PM2). Based on the current evidence, this variant is classified as likely pathogenic for X-linked nephrogenic diabetes insipidus.

Labcorp Genetics (formerly Invitae), Labcorp
Classification: Pathogenic. Last evaluated: 2023-11-02. Review status: criteria provided, single submitter. Criteria: Invitae Variant Classification Sherloc (09022015). Collection method: clinical testing. Allele origin: germline.
Comment: This sequence change replaces leucine, which is neutral and non-polar, with phenylalanine, which is neutral and non-polar, at codon 44 of the AVPR2 protein (p.Leu44Phe). This variant is not present in population databases (gnomAD no frequency). This missense change has been observed in individual(s) with nephrogenic diabetes insipidus (PMID: 7933835). In at least one individual the variant was observed to be de novo. Advanced modeling of protein sequence and biophysical properties (such as structural, functional, and spatial information, amino acid conservation, physicochemical variation, residue mobility, and thermodynamic stability) performed at Invitae indicates that this missense variant is expected to disrupt AVPR2 protein function with a positive predictive value of 80%. Experimental studies have shown that this missense change affects AVPR2 function (PMID: 8863826). This variant disrupts the p.Leu44 amino acid residue in AVPR2. Other variant(s) that disrupt this residue have been determined to be pathogenic (PMID: 7999078, 8863826, 10432391, 19587238). This suggests that this residue is clinically significant, and that variants that disrupt this residue are likely to be disease-causing. For these reasons, this variant has been classified as Pathogenic.

Literature cited by the submitters: PubMed 7933835 (cited by Variantyx, Inc. and Labcorp Genetics (formerly Invitae), Labcorp); PubMed 8863826 (cited by Variantyx, Inc. and Labcorp Genetics (formerly Invitae), Labcorp); PubMed 7999078 (cited by Labcorp Genetics (formerly Invitae), Labcorp); PubMed 10432391 (cited by Labcorp Genetics (formerly Invitae), Labcorp); PubMed 19587238 (cited by Labcorp Genetics (formerly Invitae), Labcorp).

NM_000054.7(AVPR2):c.130C>T (p.Leu44Phe)

Gene: AVPR2 (arginine vasopressin receptor 2; plus strand). Cytogenetic location: Xq28.
Variant type: single nucleotide variant.
Coding change: c.130C>T on transcript NM_000054.7 (MANE Select); coding-DNA position 130, C replaced by T.
Protein change: p.Leu44Phe; replaces leucine 44 with phenylalanine.
Molecular consequence: missense variant.
Genome position (GRCh38, 1-based): chrX:153,905,636, C>T. VCF-style: chrX-153905636-C-T. GRCh37 (hg19) VCF-style: chrX-153171090-C-T.
Other names: c.130C>T, p.Leu44Phe (NM_001146151.3); short protein forms L44F.
Identifiers: ClinVar variation 2737425 (VCV002737425.3), dbSNP rs2521151410, ClinGen allele CA415103871.
Genomic context (GRCh38, chrX:153,905,636, plus strand): 5'-AGCCAGGAGAGGCCACTGGACACCCGGGACCCGCTGCTAGCCCGGGCGGAGCTGGCGCTG[C>T]TCTCCATAGTCTTTGTGGCTGTGGCCCTGAGCAATGGCCTGGTGCTGGCGGCCCTAGCTC-3'
Protein context (NP_000045.1, residues 34-54): PLLARAELAL[Leu44Phe]SIVFVAVALS